The following is an entry in ClinVar:

NM_004380.3(CREBBP):c.569A>G (p.Asn190Ser)

Gene: CREBBP (CREB binding lysine acetyltransferase; minus strand). Cytogenetic location: 16p13.3.
Variant type: single nucleotide variant.
Coding change: c.569A>G on transcript NM_004380.3 (MANE Select); coding-DNA position 569, A replaced by G.
Protein change: p.Asn190Ser; replaces asparagine 190 with serine.
Molecular consequence: missense variant.
Genome position (GRCh38, 1-based): chr16:3,850,526, T>C on the plus strand (A>G on the coding strand, the complement: CREBBP is on the minus strand). VCF-style: chr16-3850526-T-C. GRCh37 (hg19) VCF-style: chr16-3900527-T-C.
Other names: c.569A>G, p.Asn190Ser (NM_001079846.1); c.569A>G (NM_004380.2); short protein forms N190S.
Identifiers: ClinVar variation 2714932 (VCV002714932.4), dbSNP rs779356613, ClinGen allele CA7870651.

ClinVar aggregate classification (germline): Conflicting classifications of pathogenicity. Review status: criteria provided, conflicting classifications (1 of 4 stars). 2 submissions from 2 submitters: Uncertain significance (1); Likely benign (1). Last evaluated 2026-08-25.

Conditions:
CREBBP-related disorder. Also called: CREBBP-related disorders; CREBBP-related condition.
Rubinstein-Taybi syndrome (RSTS). Identifiers: Orphanet 783, MedGen C0035934, MONDO:0019188.

Allele frequency attached by ClinVar (database versions not stated): TOPMed below 0.00001; gnomAD 0.00001; gnomAD exomes 0.00001; ExAC 0.00002.
gnomAD v4.1: 17 of 1,614,122 alleles (0.0011%); highest among the groups gnomAD compares: South Asian, 0.0088%; no homozygotes.

Submissions (2):

PreventionGenetics, part of Exact Sciences
Classification: Uncertain significance for CREBBP-related condition. Last evaluated: 2026-08-25. Review status: criteria provided, single submitter. Criteria: ACMG Guidelines, 2015. Collection method: clinical testing. Allele origin: germline.
Comment: The CREBBP c.569A>G variant is predicted to result in the amino acid substitution p.Asn190Ser. To our knowledge, this variant has not been reported in the literature. This variant is reported in 0.0087% of alleles in individuals of Latino descent in gnomAD. At this time, the clinical significance of this variant is uncertain due to the absence of conclusive functional and genetic evidence.

Labcorp Genetics (formerly Invitae), Labcorp
Classification: Likely benign for Rubinstein-Taybi syndrome. Last evaluated: 2025-12-19. Review status: criteria provided, single submitter. Criteria: Invitae Variant Classification Sherloc (09022015). Collection method: clinical testing. Allele origin: germline.